The following is an entry in ClinVar:

NM_145290.4(ADGRA3):c.2841G>T (p.Glu947Asp)

Gene: ADGRA3 (adhesion G protein-coupled receptor A3; minus strand). Cytogenetic location: 4p15.2.
Variant type: single nucleotide variant.
Coding change: c.2841G>T on transcript NM_145290.4 (MANE Select); coding-DNA position 2841, G replaced by T.
Protein change: p.Glu947Asp; replaces glutamic acid 947 with aspartic acid.
Molecular consequence: missense variant.
Genome position (GRCh38, 1-based): chr4:22,388,830, C>A on the plus strand (G>T on the coding strand, the complement: ADGRA3 is on the minus strand). VCF-style: chr4-22388830-C-A. GRCh37 (hg19) VCF-style: chr4-22390453-C-A.
Other names: short protein forms E947D.
Identifiers: ClinVar variation 1484490 (VCV001484490.8), dbSNP rs1254285360, ClinGen allele CA356474731.

ClinVar aggregate classification (germline): Uncertain significance (1 of 4 stars; one submission).

Allele frequency attached by ClinVar (database versions not stated): TOPMed 0.00001.

Submission:

Labcorp Genetics (formerly Invitae), Labcorp
Classification: Uncertain significance. Last evaluated: 2021-03-03. Review status: criteria provided, single submitter. Criteria: Invitae Variant Classification Sherloc (09022015). Collection method: clinical testing. Allele origin: germline.
Comment: This sequence change replaces glutamic acid with aspartic acid at codon 947 of the ADGRA3 protein (p.Glu947Asp). The glutamic acid residue is highly conserved and there is a small physicochemical difference between glutamic acid and aspartic acid. This variant is not present in population databases (ExAC no frequency). This variant has not been reported in the literature in individuals with ADGRA3-related conditions. Algorithms developed to predict the effect of missense changes on protein structure and function (SIFT, PolyPhen-2, Align-GVGD) all suggest that this variant is likely to be tolerated, but these predictions have not been confirmed by published functional studies and their clinical significance is uncertain. In summary, the available evidence is currently insufficient to determine the role of this variant in disease. Therefore, it has been classified as a Variant of Uncertain Significance.